The following is an entry in ClinVar:

ClinVar aggregate classification (germline): Uncertain significance. Review status: criteria provided, multiple submitters, no conflicts (2 of 4 stars). 2 submissions from 2 submitters: Uncertain significance (2). Last evaluated 2025-01-22.

Conditions:
Inborn genetic diseases. Identifiers: MedGen C0950123, MeSH D030342.

Allele frequency attached by ClinVar (database versions not stated): gnomAD exomes below 0.00001.
gnomAD v4.1: 7 of 1,197,632 alleles (0.00058%); highest among the groups gnomAD compares: Non-Finnish European, 0.00056%; no homozygotes.

Submissions (2):

Ambry Genetics
Classification: Uncertain significance for Inborn genetic diseases. Last evaluated: 2025-01-22. Review status: criteria provided, single submitter. Criteria: Ambry Variant Classification Scheme 2023. Collection method: clinical testing. Allele origin: germline.

Labcorp Genetics (formerly Invitae), Labcorp
Classification: Uncertain significance. Last evaluated: 2022-06-30. Review status: criteria provided, single submitter. Criteria: Invitae Variant Classification Sherloc (09022015). Collection method: clinical testing. Allele origin: germline.
Comment: This variant is not present in population databases (gnomAD no frequency). In summary, the available evidence is currently insufficient to determine the role of this variant in disease. Therefore, it has been classified as a Variant of Uncertain Significance. Algorithms developed to predict the effect of missense changes on protein structure and function are either unavailable or do not agree on the potential impact of this missense change (SIFT: "Deleterious"; PolyPhen-2: "Probably Damaging"; Align-GVGD: "Class C15"). This variant has not been reported in the literature in individuals affected with ATP6AP1-related conditions. This sequence change replaces proline, which is neutral and non-polar, with arginine, which is basic and polar, at codon 174 of the ATP6AP1 protein (p.Pro174Arg).

NM_001183.6(ATP6AP1):c.521C>G (p.Pro174Arg)

Gene: ATP6AP1 (ATPase H+ transporting accessory protein 1; plus strand). Cytogenetic location: Xq28.
Variant type: single nucleotide variant.
Coding change: c.521C>G on transcript NM_001183.6 (MANE Select); coding-DNA position 521, C replaced by G.
Protein change: p.Pro174Arg; replaces proline 174 with arginine.
Molecular consequence: missense variant.
Genome position (GRCh38, 1-based): chrX:154,432,423, C>G. VCF-style: chrX-154432423-C-G. GRCh37 (hg19) VCF-style: chrX-153660769-C-G.
Other names: c.521C>G (NM_001183.4); short protein forms P174R.
Identifiers: ClinVar variation 1978190 (VCV001978190.6), dbSNP rs2523017833, ClinGen allele CA415189960.